The following is an entry in ClinVar:

ClinVar aggregate classification (germline): Uncertain significance (1 of 4 stars; one submission).

Conditions:
Baller-Gerold syndrome (BGS). Also called: CRANIOSYNOSTOSIS WITH RADIAL DEFECTS. Identifiers: Orphanet 1225, MedGen C0265308, MONDO:0009039, OMIM 218600.

Submission:

Labcorp Genetics (formerly Invitae), Labcorp
Classification: Uncertain significance for Baller-Gerold syndrome. Last evaluated: 2020-04-16. Review status: criteria provided, single submitter. Criteria: Invitae Variant Classification Sherloc (09022015). Collection method: clinical testing. Allele origin: germline.
Comment: This variant has not been reported in the literature in individuals with RECQL4-related conditions. Experimental studies and prediction algorithms are not available or were not evaluated, and the functional significance of this variant is currently unknown. This variant is not present in population databases (ExAC no frequency). This sequence change replaces leucine with isoleucine at codon 212 of the RECQL4 protein (p.Leu212Ile). The leucine residue is moderately conserved and there is a small physicochemical difference between leucine and isoleucine. In summary, the available evidence is currently insufficient to determine the role of this variant in disease. Therefore, it has been classified as a Variant of Uncertain Significance.

NM_004260.4(RECQL4):c.634C>A (p.Leu212Ile)

Gene: RECQL4 (RecQ like helicase 4; minus strand). Cytogenetic location: 8q24.3.
Variant type: single nucleotide variant.
Coding change: c.634C>A on transcript NM_004260.4 (MANE Select); coding-DNA position 634, C replaced by A.
Protein change: p.Leu212Ile; replaces leucine 212 with isoleucine.
Molecular consequence: missense variant.
Genome position (GRCh38, 1-based): chr8:144,516,485, G>T on the plus strand (C>A on the coding strand, the complement: RECQL4 is on the minus strand). VCF-style: chr8-144516485-G-T. GRCh37 (hg19) VCF-style: chr8-145741869-G-T.
Other names: short protein forms L212I.
Identifiers: ClinVar variation 1024786 (VCV001024786.3), dbSNP rs377012693, ClinGen allele CA372689995.
Genomic context (GRCh38, chr8:144,516,485, plus strand): 5'-CACCAGGACCAAGGACAGCCGACTCACCAGGGATCAGAAGTTGTGATTCCTCTGAGCCTA[G>T]ATCAGGCCTGCAGGCTTTGGGGGCCCCCAGAAAATCTGGGACCTCACTGTGACATCGCTG-3'
Protein context (NP_004251.4, residues 202-222): LGAPKACRPD[Leu212Ile]GSEESQLLIP